The following is an entry in ClinVar:

NC_000016.10:g.67660461C>G

Gene: ACD (ACD shelterin complex subunit and telomerase recruitment factor; minus strand). Cytogenetic location: 16q22.1.
Variant type: single nucleotide variant.
Genome position: GRCh38 VCF-style: chr16-67660461-C-G. GRCh37 (hg19) VCF-style: chr16-67694364-C-G.
Other names: short protein forms Q6H.
Identifiers: ClinVar variation 1782284 (VCV001782284.5), dbSNP rs1479317574, ClinGen allele CA396360273.

ClinVar aggregate classification (germline): Uncertain significance. Review status: criteria provided, multiple submitters, no conflicts (2 of 4 stars). 2 submissions from 2 submitters: Uncertain significance (2). Last evaluated 2023-04-09.

Conditions:
Inborn genetic diseases. Identifiers: MedGen C0950123, MeSH D030342.
Dyskeratosis congenita, autosomal dominant 6 (DKCA6). Identifiers: Orphanet 3322, MedGen C4225284, MONDO:0014690, OMIM 616553.

Allele frequency attached by ClinVar (database versions not stated): TOPMed below 0.00001; gnomAD 0.00001.

Submissions (2):

Labcorp Genetics (formerly Invitae), Labcorp
Classification: Uncertain significance for Dyskeratosis congenita, autosomal dominant 6. Last evaluated: 2023-04-09. Review status: criteria provided, single submitter. Criteria: Invitae Variant Classification Sherloc (09022015). Collection method: clinical testing. Allele origin: germline.
Comment: In summary, the available evidence is currently insufficient to determine the role of this variant in disease. Therefore, it has been classified as a Variant of Uncertain Significance. An algorithm developed to predict the effect of missense changes on protein structure and function (PolyPhen-2) suggests that this variant is likely to be tolerated. ClinVar contains an entry for this variant (Variation ID: 1782284). This variant has not been reported in the literature in individuals affected with ACD-related conditions. This variant is not present in population databases (gnomAD no frequency). This sequence change replaces glutamine, which is neutral and polar, with histidine, which is basic and polar, at codon 6 of the ACD protein (p.Gln6His).

Ambry Genetics
Classification: Uncertain significance for Inborn genetic diseases. Last evaluated: 2021-08-28. Review status: criteria provided, single submitter. Criteria: Ambry Variant Classification Scheme 2023. Collection method: clinical testing. Allele origin: germline.
Comment: The p.Q6H variant (also known as c.18G>C), located in coding exon 1 of the ACD gene, results from a G to C substitution at nucleotide position 18. The glutamine at codon 6 is replaced by histidine, an amino acid with highly similar properties. This amino acid position is conserved. In addition, this alteration is predicted to be tolerated by in silico analysis. Since supporting evidence is limited at this time, the clinical significance of this alteration remains unclear.